The following is an entry in ClinVar:

NM_022173.4(TIA1):c.277+27A>G

Gene: TIA1 (TIA1 cytotoxic granule associated RNA binding protein; minus strand). Cytogenetic location: 2p13.3.
Variant type: single nucleotide variant.
Coding change: c.277+27A>G on transcript NM_022173.4 (MANE Select); 27 bases into the intron after coding-DNA position 277, A replaced by G.
Molecular consequence: intron variant.
Genome position (GRCh38, 1-based): chr2:70,229,237, T>C on the plus strand (A>G on the coding strand, the complement: TIA1 is on the minus strand). VCF-style: chr2-70229237-T-C. GRCh37 (hg19) VCF-style: chr2-70456369-T-C.
Other names: c.166+27A>G (NM_001351513.1, NM_001351511.1); c.172+27A>G (NM_001351512.1); c.82+27A>G (NM_001351514.2, NM_001351523.2); c.-144+27A>G (NM_001351524.2); c.-367+27A>G (NM_001351517.2); c.277+27A>G (NM_001351510.2, NM_022037.4, NM_001351508.2 and 5 more transcripts); c.-177+27A>G (NM_001351525.2); c.-113+27A>G (NM_001351515.2); and 1 more.
Identifiers: ClinVar variation 1687651 (VCV001687651.3), dbSNP rs111639821, ClinGen allele CA1697673.

ClinVar aggregate classification (germline): Likely benign. Review status: criteria provided, multiple submitters, no conflicts (2 of 4 stars). 2 submissions from 2 submitters: Likely benign (2). Last evaluated 2021-11-24.

Allele frequency attached by ClinVar (database versions not stated): gnomAD exomes 0.00114 and 0.00300; ExAC 0.00366; gnomAD 0.01164 and 0.01269; 1000 Genomes Project 0.01258; TOPMed 0.01320; 1000 Genomes Project 30x 0.01421; ESP Exome Variant Server 0.01569.
gnomAD v4.1: 3,523 of 1,613,030 alleles (0.22%); highest among the groups gnomAD compares: African/African-American, 4.2%; 80 homozygotes.

Submissions (2):

GeneDx
Classification: Likely benign. Last evaluated: 2021-11-24. Review status: criteria provided, single submitter. Criteria: GeneDx Variant Classification Process June 2021. Collection method: clinical testing. Allele origin: germline. Affected: yes.
Comment: See Variant Classification Assertion Criteria.

Breakthrough Genomics
Classification: Likely benign. Review status: criteria provided, single submitter. Criteria: ACMG Guidelines, 2015. Collection method: not provided. Allele origin: germline. Inheritance: Autosomal recessive inheritance. Affected: yes.